The following is an entry in ClinVar:

ClinVar aggregate classification (germline): Uncertain significance (1 of 4 stars; one submission).

Submission:

Ambry Genetics
Classification: Uncertain significance. Last evaluated: 2024-08-19. Review status: criteria provided, single submitter. Criteria: Ambry Variant Classification Scheme 2023. Collection method: clinical testing. Allele origin: germline.
Comment: The p.T485I variant (also known as c.1454C>T), located in coding exon 15 of the KIF1B gene, results from a C to T substitution at nucleotide position 1454. The threonine at codon 485 is replaced by isoleucine, an amino acid with similar properties. This amino acid position is conserved. In addition, this alteration is predicted to be deleterious by in silico analysis. Based on the available evidence, the clinical significance of this variant remains unclear.

NM_001365951.3(KIF1B):c.1592C>T (p.Thr531Ile)

Gene: KIF1B (kinesin family member 1B; plus strand). Cytogenetic location: 1p36.22.
Variant type: single nucleotide variant.
Coding change: c.1592C>T on transcript NM_001365951.3 (MANE Select); coding-DNA position 1592, C replaced by T.
Protein change: p.Thr531Ile; replaces threonine 531 with isoleucine.
Molecular consequence: missense variant.
Genome position (GRCh38, 1-based): chr1:10,295,087, C>T. VCF-style: chr1-10295087-C-T. GRCh37 (hg19) VCF-style: chr1-10355145-C-T.
Other names: c.1592C>T, p.Thr531Ile (NM_001365952.1); c.1454C>T, p.Thr485Ile (NM_001365953.1, NM_015074.3, NM_183416.4); short protein forms T485I, T531I.
Identifiers: ClinVar variation 3533982 (VCV003533982.1).